The following is an entry in ClinVar:

ClinVar aggregate classification (germline): Likely benign (0 of 4 stars; one submission).

Conditions:
PKD1-related disorder. Also called: PKD1-related condition.

gnomAD v4.1: 1 of 1,612,352 alleles (0.000062%); highest among the groups gnomAD compares: Non-Finnish European, 0.000085%; no homozygotes.

Submission:

PreventionGenetics, part of Exact Sciences
Classification: Likely benign for PKD1-related condition. Last evaluated: 2024-03-22. Review status: no assertion criteria provided. Collection method: clinical testing. Allele origin: germline.
Comment: This variant is classified as likely benign based on ACMG/AMP sequence variant interpretation guidelines (Richards et al. 2015 PMID: 25741868, with internal and published modifications).

NM_001009944.3(PKD1):c.12270C>T (p.Leu4090=)

Gene: PKD1 (polycystin 1, transient receptor potential channel interacting; minus strand). Cytogenetic location: 16p13.3.
Variant type: single nucleotide variant.
Coding change: c.12270C>T on transcript NM_001009944.3 (MANE Select); coding-DNA position 12270, C replaced by T.
Protein change: p.Leu4090=; no amino-acid change (leucine 4090 retained).
Molecular consequence: synonymous variant.
Genome position (GRCh38, 1-based): chr16:2,090,459, G>A on the plus strand (C>T on the coding strand, the complement: PKD1 is on the minus strand). VCF-style: chr16-2090459-G-A. GRCh37 (hg19) VCF-style: chr16-2140460-G-A.
Other names: c.12267C>T, p.Leu4089= (NM_000296.4).
Identifiers: ClinVar variation 3358236 (VCV003358236.1).